The following is an entry in ClinVar:

NM_032603.5(LOXL3):c.123del (p.Leu42fs)

Genes: DOK1 (docking protein 1; plus strand), LOXL3 (lysyl oxidase like 3; minus strand). Cytogenetic location: 2p13.1.
Variant type: Deletion.
Coding change: c.123del on transcript NM_032603.5 (MANE Select); coding-DNA position 123, one base deleted (G; older notation c.123delG).
Protein change: p.Leu42fs; shifts the reading frame from leucine 42.
Molecular consequence: frameshift variant. On other transcripts: intron variant (1).
Genome position (GRCh38, 1-based): chr2:74,552,512, C deleted on the plus strand (G on the coding strand, the reverse complement: LOXL3 is on the minus strand); the first of 4 consecutive C bases (chr2:74,552,512-74,552,515); deleting any one gives the same sequence. VCF-style (leftmost placement, unchanged base first): chr2-74552511-GC-G. GRCh37 (hg19) VCF-style: chr2-74779638-GC-G.
Other names: c.123del, p.Leu42fs (NM_001289164.3); c.-357-2639del (NM_001197260.2); short protein forms L42fs.
Identifiers: ClinVar variation 4736345 (VCV004736345.1).

ClinVar aggregate classification (germline): Uncertain significance (1 of 4 stars; one submission).

Submission:

Labcorp Genetics (formerly Invitae), Labcorp
Classification: Uncertain significance. Last evaluated: 2026-01-28. Review status: criteria provided, single submitter. Criteria: Invitae Variant Classification Sherloc (09022015). Collection method: clinical testing. Allele origin: germline.
Comment: This sequence change creates a premature translational stop signal (p.Leu42Phefs*71) in the LOXL3 gene. It is expected to result in an absent or disrupted protein product. However, the current clinical and genetic evidence is not sufficient to establish whether loss-of-function variants in LOXL3 cause disease. This variant is not present in population databases (gnomAD no frequency). This premature translational stop signal has been observed in individual(s) with Stickler syndrome (internal data). In summary, the available evidence is currently insufficient to determine the role of this variant in disease. Therefore, it has been classified as a Variant of Uncertain Significance.